The following is an entry in ClinVar:

NM_001382391.1(CSPP1):c.46T>C (p.Leu16=)

Gene: CSPP1 (centrosome and spindle pole associated protein 1; plus strand). Cytogenetic location: 8q13.1.
Variant type: single nucleotide variant.
Coding change: c.46T>C on transcript NM_001382391.1 (MANE Select); coding-DNA position 46, T replaced by C.
Protein change: p.Leu16=; no amino-acid change (leucine 16 retained).
Molecular consequence: synonymous variant.
Genome position (GRCh38, 1-based): chr8:67,074,298, T>C. VCF-style: chr8-67074298-T-C. GRCh37 (hg19) VCF-style: chr8-67986533-T-C.
Other names: c.46T>C, p.Leu16= (NM_001363131.2, NM_001363132.2, NM_001363133.2); c.154T>C, p.Leu52= (NM_001364869.1, NM_001364870.1, NM_024790.7).
Identifiers: ClinVar variation 681050 (VCV000681050.26), dbSNP rs150924296, ClinGen allele CA4770107.

ClinVar aggregate classification (germline): Benign/Likely benign. Review status: criteria provided, multiple submitters, no conflicts (2 of 4 stars). 5 submissions from 5 submitters: Benign (1); Likely benign (4). Last evaluated 2026-01-26.

Conditions:
Joubert syndrome 21 (JBTS21). Identifiers: MedGen C3810212, MONDO:0014288, OMIM 615636.

Allele frequency attached by ClinVar (database versions not stated): gnomAD 0.00021 and 0.00029; gnomAD exomes 0.00069; ExAC 0.00071; TOPMed 0.00072; 1000 Genomes Project 30x 0.00156; 1000 Genomes Project 0.00180.
gnomAD v4.1: 542 of 1,611,816 alleles (0.034%); highest among the groups gnomAD compares: East Asian, 0.89%; 2 homozygotes.

Submissions (5):

Labcorp Genetics (formerly Invitae), Labcorp
Classification: Benign for Joubert syndrome 21. Last evaluated: 2026-01-26. Review status: criteria provided, single submitter. Criteria: Invitae Variant Classification Sherloc (09022015). Collection method: clinical testing. Allele origin: germline.

CeGaT Center for Human Genetics Tuebingen
Classification: Likely benign. Last evaluated: 2025-05-01. Review status: criteria provided, single submitter. Criteria: CeGaT Center For Human Genetics Tuebingen Variant Classification Criteria Version 2. Collection method: clinical testing. Allele origin: germline. Affected: yes. Observed: 1 variant allele.
Comment: CSPP1: BP4, BP7

Blueprint Genetics
Classification: Likely benign. Last evaluated: 2024-06-27. Review status: criteria provided, single submitter. Criteria: ACMG Guidelines, 2015. Collection method: clinical testing. Allele origin: germline.

GeneDx
Classification: Likely benign. Last evaluated: 2020-11-10. Review status: criteria provided, single submitter. Criteria: GeneDx Variant Classification Process June 2021. Collection method: clinical testing. Allele origin: germline. Affected: yes.

Breakthrough Genomics
Classification: Likely benign. Review status: criteria provided, single submitter. Criteria: ACMG Guidelines, 2015. Collection method: not provided. Allele origin: germline. Inheritance: Autosomal recessive inheritance. Affected: yes.